The following is an entry in ClinVar:

NM_130837.3(OPA1):c.1757C>T (p.Thr586Ile)

Genes: OPA1 (OPA1 mitochondrial dynamin like GTPase; plus strand), LOC126806913 (BRD4-independent group 4 enhancer GRCh37_chr3:193364377-193365576; plus strand). Cytogenetic location: 3q29.
Variant type: single nucleotide variant.
Coding change: c.1757C>T on transcript NM_130837.3 (MANE Select); coding-DNA position 1757, C replaced by T.
Protein change: p.Thr586Ile; replaces threonine 586 with isoleucine.
Molecular consequence: missense variant.
Genome position (GRCh38, 1-based): chr3:193,647,067, C>T. VCF-style: chr3-193647067-C-T. GRCh37 (hg19) VCF-style: chr3-193364856-C-T.
Other names: c.1223C>T, p.Thr408Ile (NM_001354663.2); c.1220C>T, p.Thr407Ile (NM_001354664.2); c.1592C>T, p.Thr531Ile (NM_015560.3); c.1484C>T, p.Thr495Ile (NM_130831.3); c.1538C>T, p.Thr513Ile (NM_130832.3); c.1595C>T, p.Thr532Ile (NM_130833.3); c.1646C>T, p.Thr549Ile (NM_130834.3); c.1649C>T, p.Thr550Ile (NM_130835.3); and 1 more; short protein forms T407I, T408I, T495I, T513I, T531I, T532I, T549I, T550I.
Identifiers: ClinVar variation 3573618 (VCV003573618.2).
Genomic context (GRCh38, chr3:193,647,067, plus strand): 5'-ATTGTTGTCCTTTTTGTCATTTTAATATACTTTAGCTCTTGTTATTTTTTTTTAATAGGA[C>T]AAGCATGCTAAAGGCACACCAAGTGACTACAAGAAATTTAAGCCTTGCAGTATCAGACTG-3'
Protein context (NP_570850.2, residues 576-596): EFFQNSKLLK[Thr586Ile]SMLKAHQVTT

ClinVar aggregate classification (germline): Uncertain significance (1 of 4 stars; one submission).

gnomAD v4.1: 1 of 1,601,434 alleles (0.000062%); highest among the groups gnomAD compares: Non-Finnish European, 0.000085%; no homozygotes.

Submission:

GeneDx
Classification: Uncertain significance. Last evaluated: 2026-09-25. Review status: criteria provided, single submitter. Criteria: GeneDx Variant Classification Process June 2021. Collection method: clinical testing. Allele origin: germline.
Comment: Not observed at significant frequency in large population cohorts (gnomAD); In silico analysis suggests that this missense variant does not alter protein structure/function; Has not been previously published as pathogenic or benign to our knowledge